The following is an entry in ClinVar:

ClinVar aggregate classification (germline): Uncertain significance (1 of 4 stars; one submission).

Conditions:
Familial thoracic aortic aneurysm and aortic dissection (TAAD). Also called: Thoracic aortic aneurysms and dissections. Identifiers: Orphanet 91387, MedGen C4707243, MONDO:0019625.

Submission:

Labcorp Genetics (formerly Invitae), Labcorp
Classification: Uncertain significance for Familial thoracic aortic aneurysm and aortic dissection. Last evaluated: 2025-12-02. Review status: criteria provided, single submitter. Criteria: Invitae Variant Classification Sherloc (09022015). Collection method: clinical testing. Allele origin: germline.
Comment: This sequence change replaces glutamine, which is neutral and polar, with arginine, which is basic and polar, at codon 494 of the TGFBR1 protein (p.Gln494Arg). This variant is not present in population databases (gnomAD no frequency). This variant has not been reported in the literature in individuals affected with TGFBR1-related conditions. Invitae Evidence Modeling of protein sequence and biophysical properties (such as structural, functional, and spatial information, amino acid conservation, physicochemical variation, residue mobility, and thermodynamic stability) indicates that this missense variant is not expected to disrupt TGFBR1 protein function with a negative predictive value of 80%. In summary, the available evidence is currently insufficient to determine the role of this variant in disease. Therefore, it has been classified as a Variant of Uncertain Significance.

NM_004612.4(TGFBR1):c.1481A>G (p.Gln494Arg)

Gene: TGFBR1 (transforming growth factor beta receptor 1; plus strand). Cytogenetic location: 9q22.33.
Variant type: single nucleotide variant.
Coding change: c.1481A>G on transcript NM_004612.4 (MANE Select); coding-DNA position 1481, A replaced by G.
Protein change: p.Gln494Arg; replaces glutamine 494 with arginine.
Molecular consequence: missense variant. On other transcripts: non-coding transcript variant (4).
Genome position (GRCh38, 1-based): chr9:99,149,274, A>G. VCF-style: chr9-99149274-A-G. GRCh37 (hg19) VCF-style: chr9-101911556-A-G.
Other names: c.1250A>G, p.Gln417Arg (NM_001130916.3, NM_001407435.1); c.1493A>G, p.Gln498Arg (NM_001306210.2); c.1325A>G, p.Gln442Arg (NM_001407416.1); c.1313A>G, p.Gln438Arg (NM_001407417.1); c.1286A>G, p.Gln429Arg (NM_001407418.1, NM_001407419.1, NM_001407420.1 and 1 more transcripts); c.1274A>G, p.Gln425Arg (NM_001407423.1, NM_001407424.1, NM_001407425.1 and 8 more transcripts); c.1235A>G, p.Gln412Arg (NM_001407436.1); c.773A>G, p.Gln258Arg (NM_001407437.1); and 1 more; short protein forms Q425R, Q429R, Q335R, Q438R, Q412R, Q417R, Q442R, Q498R.
Identifiers: ClinVar variation 4759902 (VCV004759902.1).